The following is an entry in ClinVar:

ClinVar aggregate classification (germline): Pathogenic. Review status: reviewed by expert panel (3 of 4 stars). 4 submissions from 4 submitters: Pathogenic (1). 3 of the submissions do not count toward it. Last evaluated 2016-09-08.
ClinVar aggregate classification (oncogenicity): Oncogenic (1 of 4 stars; one submission).

Conditions:
Hereditary cancer-predisposing syndrome. Also called: Neoplastic Syndromes, Hereditary; Hereditary Cancer Syndrome; Hereditary neoplastic syndrome; Tumor predisposition. Identifiers: Orphanet 140162, MedGen C0027672, MeSH D009386, MONDO:0015356.
Hereditary breast ovarian cancer syndrome. Also called: Hereditary breast and ovarian cancer syndrome; Hereditary breast and/or ovarian cancer syndrome; BRCA1- and BRCA2-Associated Hereditary Breast and Ovarian Cancer; Hereditary breast and ovarian cancer; Breast and ovarian cancer; Hereditary breast and ovarian cancer syndrome (HBOC). Identifiers: Orphanet 145, MedGen C0677776, MeSH D061325, MONDO:0003582. Disease mechanism: loss of function.
Breast-ovarian cancer, familial, susceptibility to, 2 (BROVCA2). Also called: BRCA2 Hereditary Breast and Ovarian Cancer. Identifiers: Orphanet 145, MedGen C2675520, MONDO:0012933, OMIM 612555. Disease mechanism: loss of function.
Neoplasm. Also called: tumor; Neoplasms; Neoplasm (disease). Identifiers: MedGen C0027651, MeSH D009369, MONDO:0005070, HP:0002664.

Submissions (5):

Evidence-based Network for the Interpretation of Germline Mutant Alleles (ENIGMA)
Classification: Pathogenic for Breast-ovarian cancer, familial, susceptibility to, 2. Last evaluated: 2016-09-08. Review status: reviewed by expert panel. Criteria: ENIGMA BRCA1/2 Classification Criteria (2015). Collection method: curation. Allele origin: germline.
Comment: Variant allele predicted to encode a truncated non-functional protein.

Center for Genomic Medicine, Rigshospitalet, Copenhagen University Hospital
Classification: Oncogenic for Neoplasm. Last evaluated: 2025-03-04. Review status: criteria provided, single submitter. Criteria: ClinGen/CGC/VICC Guidelines for Oncogenicity, 2022. Collection method: clinical testing. Allele origin: somatic. Affected: yes.

Labcorp Genetics (formerly Invitae), Labcorp
Classification: Pathogenic for Hereditary breast ovarian cancer syndrome. Last evaluated: 2022-08-19. Review status: criteria provided, single submitter. Criteria: Invitae Variant Classification Sherloc (09022015). Collection method: clinical testing. Allele origin: germline. Not counted in ClinVar's aggregate classification.
Comment: This premature translational stop signal has been observed in individual(s) with a personal or familial history of breast and/or ovarian cancer (PMID: 24156927). This variant is not present in population databases (gnomAD no frequency). This sequence change creates a premature translational stop signal (p.Ser2103*) in the BRCA2 gene. It is expected to result in an absent or disrupted protein product. Loss-of-function variants in BRCA2 are known to be pathogenic (PMID: 20104584). For these reasons, this variant has been classified as Pathogenic. ClinVar contains an entry for this variant (Variation ID: 141213).

GeneDx
Classification: Pathogenic. Last evaluated: 2022-05-06. Review status: criteria provided, single submitter. Criteria: GeneDx Variant Classification Process June 2021. Collection method: clinical testing. Allele origin: germline. Affected: yes. Not counted in ClinVar's aggregate classification.
Comment: Nonsense variant predicted to result in protein truncation or nonsense mediated decay in a gene for which loss of function is a known mechanism of disease; Observed in at least one individual undergoing next-generation sequencing for hereditary disorders (LaDuca 2017); Not observed at significant frequency in large population cohorts (gnomAD); Truncating variants in this gene are considered pathogenic by a well-established clinical consortium and/or database; Also known as 6536C>G; This variant is associated with the following publications: (PMID: 24156927, 22984553, 32392735, 28152038)

Ambry Genetics
Classification: Pathogenic for Hereditary cancer-predisposing syndrome. Last evaluated: 2013-09-03. Review status: criteria provided, single submitter. Criteria: Ambry Autosomal Dominant and X-Linked criteria (10/2015). Collection method: clinical testing. Allele origin: germline. Observed: 1 variant allele. Not counted in ClinVar's aggregate classification.
Comment: Ã¢â‚¬â€¹The p.S2103X pathogenic mutation (also known as c.6308C>G or 6536C>G), located in coding exon 10 of the BRCA2 gene, results from a C to G substitution at nucleotide position 6308. This changes the amino acid from a serine to a stop codon within coding exon 10. Since premature stop codons are typically deleterious in nature, this alteration is interpreted as a disease-causing mutation (ACMG Recommendations for Standards for Interpretation and Reporting of Sequence Variations. Revision 2007. Genet Med. 2008;10:294).

Literature cited by the submitters: PubMed 18607349 (cited by Center for Genomic Medicine, Rigshospitalet, Copenhagen University Hospital); PubMed 33293522 (cited by Center for Genomic Medicine, Rigshospitalet, Copenhagen University Hospital); PubMed 24156927 (cited by Labcorp Genetics (formerly Invitae), Labcorp); PubMed 20104584 (cited by Labcorp Genetics (formerly Invitae), Labcorp).

NM_000059.4(BRCA2):c.6308C>G (p.Ser2103Ter)

Gene: BRCA2 (BRCA2 DNA repair associated; plus strand). Cytogenetic location: 13q13.1.
Variant type: single nucleotide variant.
Coding change: c.6308C>G on transcript NM_000059.4 (MANE Select); coding-DNA position 6308, C replaced by G.
Protein change: p.Ser2103Ter; replaces serine 2103 with a stop codon.
Molecular consequence: nonsense.
Genome position (GRCh38, 1-based): chr13:32,340,663, C>G. VCF-style: chr13-32340663-C-G. GRCh37 (hg19) VCF-style: chr13-32914800-C-G.
Other names: short protein forms S2103*.
Identifiers: ClinVar variation 141213 (VCV000141213.16), dbSNP rs80358870, ClinGen allele CA023846.